The following is an entry in ClinVar:

NM_000179.3(MSH6):c.2451T>C (p.Asp817=)

Gene: MSH6 (mutS homolog 6; plus strand). Cytogenetic location: 2p16.3.
Variant type: single nucleotide variant.
Coding change: c.2451T>C on transcript NM_000179.3 (MANE Select); coding-DNA position 2451, T replaced by C.
Protein change: p.Asp817=; no amino-acid change (aspartic acid 817 retained).
Molecular consequence: synonymous variant. On other transcripts: non-coding transcript variant (5), intron variant (3).
Genome position (GRCh38, 1-based): chr2:47,800,434, T>C. VCF-style: chr2-47800434-T-C. GRCh37 (hg19) VCF-style: chr2-48027573-T-C.
Other names: c.2061T>C, p.Asp687= (NM_001281492.2); c.1545T>C, p.Asp515= (NM_001281493.2, NM_001281494.2, NM_001406811.1 and 6 more transcripts); c.2547T>C, p.Asp849= (NM_001406795.1, NM_001406802.1); c.2451T>C, p.Asp817= (NM_001406796.1, NM_001406798.1, NM_001406800.1 and 2 more transcripts); c.2154T>C, p.Asp718= (NM_001406797.1, NM_001406801.1, NM_001406805.1 and 10 more transcripts); c.1926T>C, p.Asp642= (NM_001406799.1, NM_001406806.1, NM_001406807.1); c.2373T>C, p.Asp791= (NM_001406804.1); c.2457T>C, p.Asp819= (NM_001406813.1); and 4 more.
Identifiers: ClinVar variation 3903561 (VCV003903561.1).

ClinVar aggregate classification (germline): Benign (1 of 4 stars; one submission).

Conditions:
Lynch syndrome 5 (LYNCH5). Also called: Colorectal cancer, hereditary nonpolyposis, type 5; Hereditary non-polyposis colorectal cancer, type 5. Identifiers: Orphanet 144, MedGen C1833477, MONDO:0013710, OMIM 614350. Disease mechanism: loss of function.

gnomAD v4.1: 1 of 1,613,966 alleles (0.000062%); highest among the groups gnomAD compares: South Asian, 0.0011%; no homozygotes.

Submission:

Myriad Genetics, Inc.
Classification: Benign for Lynch syndrome 5. Last evaluated: 2024-12-31. Review status: criteria provided, single submitter. Criteria: Myriad Autosomal Dominant, Autosomal Recessive and X-Linked Classification Criteria (2023). Collection method: clinical testing. Allele origin: unknown.
Comment: This variant is considered benign. This variant is a silent/synonymous amino acid change and it is not expected to impact splicing.